The following is an entry in ClinVar:

ClinVar aggregate classification (germline): Uncertain significance (1 of 4 stars; one submission).

Conditions:
Inborn genetic diseases. Identifiers: MedGen C0950123, MeSH D030342.

Submission:

Ambry Genetics
Classification: Uncertain significance for Inborn genetic diseases. Last evaluated: 2024-11-11. Review status: criteria provided, single submitter. Criteria: Ambry Variant Classification Scheme 2023. Collection method: clinical testing. Allele origin: germline.
Comment: The p.C249G variant (also known as c.745T>G), located in coding exon 7 of the LRRK2 gene, results from a T to G substitution at nucleotide position 745. The cysteine at codon 249 is replaced by glycine, an amino acid with highly dissimilar properties. This amino acid position is conserved. In addition, this alteration is predicted to be deleterious by in silico analysis. Since supporting evidence is limited at this time, the clinical significance of this alteration remains unclear.

NM_198578.4(LRRK2):c.745T>G (p.Cys249Gly)

Gene: LRRK2 (leucine rich repeat kinase 2; plus strand). Cytogenetic location: 12q12.
Variant type: single nucleotide variant.
Coding change: c.745T>G on transcript NM_198578.4 (MANE Select); coding-DNA position 745, T replaced by G.
Protein change: p.Cys249Gly; replaces cysteine 249 with glycine.
Molecular consequence: missense variant.
Genome position (GRCh38, 1-based): chr12:40,243,588, T>G. VCF-style: chr12-40243588-T-G. GRCh37 (hg19) VCF-style: chr12-40637390-T-G.
Other names: short protein forms C249G.
Identifiers: ClinVar variation 1759018 (VCV001759018.3), dbSNP rs2499455519, ClinGen allele CA384405828.